The following is an entry in ClinVar:

ClinVar aggregate classification (germline): Uncertain significance (1 of 4 stars; one submission).

Conditions:
Neuropathy, hereditary sensory, type 1F. Also called: HSN IF; Hereditary sensory neuropathy type IF. Identifiers: Orphanet 36386, MedGen C3810194, MONDO:0014286, OMIM 615632.

gnomAD v4.1: 17 of 1,613,752 alleles (0.0011%); highest among the groups gnomAD compares: Non-Finnish European, 0.0014%; no homozygotes.

Submission:

Labcorp Genetics (formerly Invitae), Labcorp
Classification: Uncertain significance for Neuropathy, hereditary sensory, type 1F. Last evaluated: 2021-03-11. Review status: criteria provided, single submitter. Criteria: Invitae Variant Classification Sherloc (09022015). Collection method: clinical testing. Allele origin: germline.
Comment: This variant is not present in population databases (ExAC no frequency). This sequence change replaces serine with alanine at codon 515 of the ATL3 protein (p.Ser515Ala). The serine residue is weakly conserved and there is a moderate physicochemical difference between serine and alanine. This variant has not been reported in the literature in individuals with ATL3-related conditions. Algorithms developed to predict the effect of missense changes on protein structure and function (SIFT, PolyPhen-2, Align-GVGD) all suggest that this variant is likely to be tolerated, but these predictions have not been confirmed by published functional studies and their clinical significance is uncertain. In summary, the available evidence is currently insufficient to determine the role of this variant in disease. Therefore, it has been classified as a Variant of Uncertain Significance.

NM_015459.5(ATL3):c.1543T>G (p.Ser515Ala)

Genes: ATL3 (atlastin GTPase 3; minus strand), LNCROPM (lncRNA regulator of PLAAT3 mediated phospholipid metabolism; plus strand). Cytogenetic location: 11q13.1.
Variant type: single nucleotide variant.
Coding change: c.1543T>G on transcript NM_015459.5 (MANE Select); coding-DNA position 1543, T replaced by G.
Protein change: p.Ser515Ala; replaces serine 515 with alanine.
Molecular consequence: missense variant.
Genome position (GRCh38, 1-based): chr11:63,629,402, A>C on the plus strand (T>G on the coding strand, the complement: ATL3 is on the minus strand). VCF-style: chr11-63629402-A-C. GRCh37 (hg19) VCF-style: chr11-63396874-A-C.
Other names: c.1489T>G, p.Ser497Ala (NM_001290048.2); short protein forms S497A, S515A.
Identifiers: ClinVar variation 1356223 (VCV001356223.8), dbSNP rs755436823, ClinGen allele CA381024007.